The following is an entry in ClinVar:

NM_006258.4(PRKG1):c.1594A>T (p.Thr532Ser)

Gene: PRKG1 (protein kinase cGMP-dependent 1; plus strand). Cytogenetic location: 10q21.1.
Variant type: single nucleotide variant.
Coding change: c.1594A>T on transcript NM_006258.4 (MANE Select); coding-DNA position 1594, A replaced by T.
Protein change: p.Thr532Ser; replaces threonine 532 with serine.
Molecular consequence: missense variant.
Genome position (GRCh38, 1-based): chr10:52,282,201, A>T. VCF-style: chr10-52282201-A-T. GRCh37 (hg19) VCF-style: chr10-54041961-A-T.
Other names: c.1549A>T, p.Thr517Ser (NM_001098512.3); c.385A>T, p.Thr129Ser (NM_001374781.1); short protein forms T129S, T517S, T532S.
Identifiers: ClinVar variation 1775983 (VCV001775983.2), dbSNP rs2492866039, ClinGen allele CA376535753.
Genomic context (GRCh38, chr10:52,282,201, plus strand): 5'-TCTCTTTGTAAGGTTGATTTTGGCTTTGCAAAGAAAATAGGATTTGGAAAGAAAACATGG[A>T]CTTTTTGTGGGACTCCAGAGTATGTAGCCCCAGAGATCATCCTGAACAAAGGCCATGACA-3'
Protein context (NP_006249.1, residues 522-542): KKIGFGKKTW[Thr532Ser]FCGTPEYVAP

ClinVar aggregate classification (germline): Uncertain significance (1 of 4 stars; one submission).

Conditions:
Familial thoracic aortic aneurysm and aortic dissection (TAAD). Also called: Thoracic aortic aneurysms and dissections. Identifiers: Orphanet 91387, MedGen C4707243, MONDO:0019625.

Submission:

Ambry Genetics
Classification: Uncertain significance for Familial thoracic aortic aneurysm and aortic dissection. Last evaluated: 2020-10-12. Review status: criteria provided, single submitter. Criteria: Ambry Variant Classification Scheme 2023. Collection method: clinical testing. Allele origin: germline.
Comment: The p.T532S variant (also known as c.1594A>T), located in coding exon 14 of the PRKG1 gene, results from an A to T substitution at nucleotide position 1594. The threonine at codon 532 is replaced by serine, an amino acid with similar properties. This amino acid position is highly conserved in available vertebrate species. In addition, this alteration is predicted to be deleterious by in silico analysis. Since supporting evidence is limited at this time, the clinical significance of this alteration remains unclear.